The following is an entry in ClinVar:

NM_001044.5(SLC6A3):c.493C>T (p.His165Tyr)

Gene: SLC6A3 (solute carrier family 6 member 3). Cytogenetic location: 5p15.33.
Variant type: single nucleotide variant.
Coding change: c.493C>T on transcript NM_001044.5 (MANE Select); coding-DNA position 493, C replaced by T.
Protein change: p.His165Tyr; replaces histidine 165 with tyrosine.
Molecular consequence: missense variant.
Genome position (GRCh38, 1-based): chr5:1,432,624, G>A on the plus strand (C>T on the coding strand, the complement: SLC6A3 is on the minus strand). VCF-style: chr5-1432624-G-A. GRCh37 (hg19) VCF-style: chr5-1432739-G-A.
Other names: short protein forms H165Y.
Identifiers: ClinVar variation 2004513 (VCV002004513.4), dbSNP rs2477404399, ClinGen allele CA359060921.

ClinVar aggregate classification (germline): Uncertain significance (1 of 4 stars; one submission).

Conditions:
Parkinsonism-dystonia, infantile. Identifiers: Orphanet 238455, MedGen C2751067, MONDO:0013150.

Allele frequency attached by ClinVar (database versions not stated): gnomAD exomes below 0.00001.
gnomAD v4.1: 3 of 1,614,190 alleles (0.00019%); highest among the groups gnomAD compares: Non-Finnish European, 0.00025%; no homozygotes.

Submission:

Labcorp Genetics (formerly Invitae), Labcorp
Classification: Uncertain significance for Parkinsonism-dystonia, infantile. Last evaluated: 2022-06-10. Review status: criteria provided, single submitter. Criteria: Invitae Variant Classification Sherloc (09022015). Collection method: clinical testing. Allele origin: germline.
Comment: Algorithms developed to predict the effect of missense changes on protein structure and function (SIFT, PolyPhen-2, Align-GVGD) all suggest that this variant is likely to be tolerated. In summary, the available evidence is currently insufficient to determine the role of this variant in disease. Therefore, it has been classified as a Variant of Uncertain Significance. This variant has not been reported in the literature in individuals affected with SLC6A3-related conditions. This variant is not present in population databases (gnomAD no frequency). This sequence change replaces histidine, which is basic and polar, with tyrosine, which is neutral and polar, at codon 165 of the SLC6A3 protein (p.His165Tyr).